The following is an entry in ClinVar:

ClinVar aggregate classification (germline): Conflicting classifications of pathogenicity. Review status: criteria provided, conflicting classifications (1 of 4 stars). 4 submissions from 4 submitters: Uncertain significance (3); Likely benign (1). Last evaluated 2025-09-14.

Conditions:
Hereditary cancer-predisposing syndrome. Also called: Tumor predisposition; Hereditary neoplastic syndrome; Hereditary Cancer Syndrome; Neoplastic Syndromes, Hereditary. Identifiers: Orphanet 140162, MedGen C0027672, MeSH D009386, MONDO:0015356.
Hereditary breast ovarian cancer syndrome. Also called: Hereditary breast and ovarian cancer syndrome; Hereditary breast and ovarian cancer; Hereditary breast and ovarian cancer syndrome (HBOC); BRCA1- and BRCA2-Associated Hereditary Breast and Ovarian Cancer; Hereditary breast and/or ovarian cancer syndrome; Breast and ovarian cancer. Identifiers: Orphanet 145, MedGen C0677776, MeSH D061325, MONDO:0003582. Disease mechanism: loss of function.

Submissions (4):

Labcorp Genetics (formerly Invitae), Labcorp
Classification: Uncertain significance for Hereditary breast ovarian cancer syndrome. Last evaluated: 2025-09-14. Review status: criteria provided, single submitter. Criteria: Invitae Variant Classification Sherloc (09022015). Collection method: clinical testing. Allele origin: germline.
Comment: This sequence change replaces glutamic acid, which is acidic and polar, with glutamine, which is neutral and polar, at codon 1415 of the BRCA2 protein (p.Glu1415Gln). This variant is not present in population databases (gnomAD no frequency). This missense change has been observed in individual(s) with breast cancer (PMID: 31228304). ClinVar contains an entry for this variant (Variation ID: 1052936). Invitae Evidence Modeling of protein sequence and biophysical properties (such as structural, functional, and spatial information, amino acid conservation, physicochemical variation, residue mobility, and thermodynamic stability) indicates that this missense variant is not expected to disrupt BRCA2 protein function with a negative predictive value of 95%. In summary, the available evidence is currently insufficient to determine the role of this variant in disease. Therefore, it has been classified as a Variant of Uncertain Significance.

Ambry Genetics
Classification: Uncertain significance for Hereditary cancer-predisposing syndrome. Last evaluated: 2025-03-11. Review status: criteria provided, single submitter. Criteria: Ambry Variant Classification Scheme 2023. Collection method: clinical testing. Allele origin: germline.
Comment: The p.E1415Q variant (also known as c.4243G>C), located in coding exon 10 of the BRCA2 gene, results from a G to C substitution at nucleotide position 4243. The glutamic acid at codon 1415 is replaced by glutamine, an amino acid with highly similar properties. This variant was identified in 2 of 1444 individuals with a personal and/or family history suggestive of hereditary breast and ovarian cancer syndrome (Boga I et al. Eur J Breast Health, 2023 Jul;19:235-252). This amino acid position is not well conserved in available vertebrate species. In addition, this alteration is predicted to be tolerated by in silico analysis. Based on the available evidence, the clinical significance of this variant remains unclear.

University of Washington Department of Laboratory Medicine, University of Washington
Classification: Likely benign for Hereditary cancer-predisposing syndrome. Last evaluated: 2023-03-23. Review status: criteria provided, single submitter. Criteria: Dines et al. (Genet Med. 2020). Collection method: curation. Allele origin: germline.
Comment: Missense variant in a coldspot region where missense variants are very unlikely to be pathogenic (PMID:31911673).

BRCA2 exon 11 coldspot. Reclassification based on statistical prior probability.

Women's Health and Genetics/Laboratory Corporation of America, LabCorp
Classification: Uncertain significance. Last evaluated: 2021-09-18. Review status: criteria provided, single submitter. Criteria: LabCorp Variant Classification Summary - May 2015. Collection method: clinical testing. Allele origin: germline.
Comment: Variant summary: BRCA2 c.4243G>C (p.Glu1415Gln) results in a conservative amino acid change in the encoded protein sequence. Five of five in-silico tools predict a benign effect of the variant on protein function. The variant was absent in 242558 control chromosomes. The available data on variant occurrences in the general population are insufficient to allow any conclusion about variant significance. c.4243G>C has been reported in the literature in one individual affected with breast cancer in a cohort of cases selected independent of family history, only BRCA1 and 2 were analyzed (example, Bisgin_2018). These report(s) do not provide unequivocal conclusions about association of the variant with Hereditary Breast And Ovarian Cancer Syndrome. To our knowledge, no experimental evidence demonstrating an impact on protein function has been reported. One clinical diagnostic laboratory has submitted clinical-significance assessments for this variant to ClinVar after 2014 without evidence for independent evaluation and classified the variant as uncertain significance. Based on the evidence outlined above, the variant was classified as uncertain significance.

Literature cited by the submitters: PubMed 31228304 (cited by 3 submitters); PubMed 37415649 (cited by Ambry Genetics).

NM_000059.4(BRCA2):c.4243G>C (p.Glu1415Gln)

Gene: BRCA2 (BRCA2 DNA repair associated; plus strand). Cytogenetic location: 13q13.1.
Variant type: single nucleotide variant.
Coding change: c.4243G>C on transcript NM_000059.4 (MANE Select); coding-DNA position 4243, G replaced by C.
Protein change: p.Glu1415Gln; replaces glutamic acid 1415 with glutamine.
Molecular consequence: missense variant.
Genome position (GRCh38, 1-based): chr13:32,338,598, G>C. VCF-style: chr13-32338598-G-C. GRCh37 (hg19) VCF-style: chr13-32912735-G-C.
Other names: short protein forms E1415Q.
Identifiers: ClinVar variation 1052936 (VCV001052936.17), dbSNP rs397507327, ClinGen allele CA387780398.
Genomic context (GRCh38, chr13:32,338,598, plus strand): 5'-GCTCAAGAAGCATGTCATGGTAATACTTCAAATAAAGAACAGTTAACTGCTACTAAAACG[G>C]AGCAAAATATAAAAGATTTTGAGACTTCTGATACATTTTTTCAGACTGCAAGTGGGAAAA-3'
Protein context (NP_000050.3, residues 1405-1425): NKEQLTATKT[Glu1415Gln]QNIKDFETSD